The following is an entry in ClinVar:

NM_006767.4(LZTR1):c.1290C>G (p.His430Gln)

Gene: LZTR1 (leucine zipper like post translational regulator 1; plus strand). Cytogenetic location: 22q11.21.
Variant type: single nucleotide variant.
Coding change: c.1290C>G on transcript NM_006767.4 (MANE Select); coding-DNA position 1290, C replaced by G.
Protein change: p.His430Gln; replaces histidine 430 with glutamine.
Molecular consequence: missense variant.
Genome position (GRCh38, 1-based): chr22:20,993,691, C>G. VCF-style: chr22-20993691-C-G. GRCh37 (hg19) VCF-style: chr22-21347980-C-G.
Other names: short protein forms H430Q.
Identifiers: ClinVar variation 4615591 (VCV004615591.1).

ClinVar aggregate classification (germline): Uncertain significance (1 of 4 stars; one submission).

Conditions:
Cardiovascular phenotype. Identifiers: MedGen CN230736.
Hereditary cancer-predisposing syndrome. Also called: Neoplastic Syndromes, Hereditary; Tumor predisposition; Hereditary Cancer Syndrome; Hereditary neoplastic syndrome. Identifiers: Orphanet 140162, MedGen C0027672, MeSH D009386, MONDO:0015356.

Submission:

Ambry Genetics
Classification: Uncertain significance for Cardiovascular phenotype; Hereditary cancer-predisposing syndrome. Last evaluated: 2025-12-10. Review status: criteria provided, single submitter. Criteria: Ambry Variant Classification Scheme 2023. Collection method: clinical testing. Allele origin: germline.
Comment: The p.H430Q variant (also known as c.1290C>G), located in coding exon 12 of the LZTR1 gene, results from a C to G substitution at nucleotide position 1290. The histidine at codon 430 is replaced by glutamine, an amino acid with highly similar properties. This amino acid position is highly conserved in available vertebrate species. In addition, the in silico prediction for this alteration is inconclusive. Based on the available evidence, the clinical significance of this variant remains unclear.